The following is an entry in ClinVar:

ClinVar aggregate classification (germline): Benign. Review status: criteria provided, multiple submitters, no conflicts (2 of 4 stars). 2 submissions from 2 submitters: Benign (2). Last evaluated 2018-01-12.

Conditions:
Vitamin D-dependent rickets type II with alopecia (VDDR2A). Also called: HYPOCALCEMIC VITAMIN D-RESISTANT RICKETS; Vitamin D-dependent rickets, type 2A; PDDR IIA; PSEUDOVITAMIN D-DEFICIENCY, TYPE IIA; RICKETS, HEREDITARY VITAMIN D-RESISTANT; RICKETS-ALOPECIA SYNDROME. Identifiers: Orphanet 93160, MedGen C0342646, MONDO:0010186, OMIM 277440.

Allele frequency attached by ClinVar (database versions not stated): gnomAD exomes 0.01389; gnomAD 0.01576 and 0.01735; TOPMed 0.01716; 1000 Genomes Project 30x 0.03451; 1000 Genomes Project 0.03854.
gnomAD v4.1: 2,630 of 152,290 alleles (1.7%); highest among the groups gnomAD compares: East Asian, 15%; 86 homozygotes.

Submissions (2):

Illumina Laboratory Services, Illumina
Classification: Benign for Vitamin D-dependent rickets type II with alopecia. Last evaluated: 2018-01-12. Review status: criteria provided, single submitter. Criteria: ICSL Variant Classification Criteria 13 December 2019. Collection method: clinical testing. Allele origin: germline.
Comment: This variant was observed in the ICSL laboratory as part of a predisposition screen in an ostensibly healthy population. It had not been previously curated by ICSL or reported in the Human Gene Mutation Database (HGMD: prior to June 1st, 2018), and was therefore a candidate for classification through an automated scoring system. Utilizing variant allele frequency, disease prevalence and penetrance estimates, and inheritance mode, an automated score was calculated to assess if this variant is too frequent to cause the disease. Based on the score and internal cut-off values, a variant classified as benign is not then subjected to further curation. The score for this variant resulted in a classification of benign for this disease.

Breakthrough Genomics
Classification: Benign. Review status: criteria provided, single submitter. Criteria: ACMG Guidelines, 2015. Collection method: not provided. Allele origin: germline. Inheritance: Autosomal recessive inheritance. Affected: yes.

NM_000376.3(VDR):c.*1226T>C

Gene: VDR (vitamin D receptor; minus strand). Cytogenetic location: 12q13.11.
Variant type: single nucleotide variant.
Coding change: c.*1226T>C on transcript NM_000376.3 (MANE Select); 1226 bases downstream of the stop codon, T replaced by C.
Molecular consequence: 3 prime UTR variant.
Genome position (GRCh38, 1-based): chr12:47,843,520, A>G on the plus strand (T>C on the coding strand, the complement: VDR is on the minus strand). VCF-style: chr12-47843520-A-G. GRCh37 (hg19) VCF-style: chr12-48237303-A-G.
Other names: c.*1226T>C (NM_001017535.2, NM_001017536.2, NM_001374661.1 and 1 more transcripts); c.*1025T>C (NM_001364085.2).
Identifiers: ClinVar variation 308851 (VCV000308851.6), dbSNP rs11574129, ClinGen allele CA10632853.